The following is an entry in ClinVar:

NM_001161352.2(KCNMA1):c.2056G>A (p.Asp686Asn)

Gene: KCNMA1 (potassium calcium-activated channel subfamily M alpha 1; minus strand). Cytogenetic location: 10q22.3.
Variant type: single nucleotide variant.
Coding change: c.2056G>A on transcript NM_001161352.2 (MANE Select); coding-DNA position 2056, G replaced by A.
Protein change: p.Asp686Asn; replaces aspartic acid 686 with asparagine.
Molecular consequence: missense variant.
Genome position (GRCh38, 1-based): chr10:77,012,003, C>T on the plus strand (G>A on the coding strand, the complement: KCNMA1 is on the minus strand). VCF-style: chr10-77012003-C-T. GRCh37 (hg19) VCF-style: chr10-78771761-C-T.
Other names: c.2068G>A, p.Asp690Asn (NM_001322830.2, NM_001322835.2, NM_001322837.2 and 1 more transcripts); c.2056G>A, p.Asp686Asn (NM_001322832.2, NM_001322836.2, NM_001410940.1 and 4 more transcripts); c.1516G>A, p.Asp506Asn (NM_001322838.2); c.1906G>A, p.Asp636Asn (NM_001271518.2); short protein forms D690N, D636N, D506N, D686N.
Identifiers: ClinVar variation 3730349 (VCV003730349.3).

ClinVar aggregate classification (germline): Uncertain significance. Review status: criteria provided, multiple submitters, no conflicts (2 of 4 stars). 2 submissions from 2 submitters: Uncertain significance (2). Last evaluated 2026-09-01.

Conditions:
Generalized epilepsy-paroxysmal dyskinesia syndrome (PNKD3). Also called: Generalized epilepsy and paroxysmal dyskinesia; Paroxysmal nonkinesigenic dyskinesia, 3, with or without generalized epilepsy. Identifiers: Orphanet 79137, MedGen C5574945, MONDO:0012276, OMIM 609446.

gnomAD v4.1: 10 of 1,613,772 alleles (0.00062%); highest among the groups gnomAD compares: Non-Finnish European, 0.00085%; no homozygotes.

Submissions (2):

CeGaT Center for Human Genetics Tuebingen
Classification: Uncertain significance. Last evaluated: 2026-09-01. Review status: criteria provided, single submitter. Criteria: CeGaT Center For Human Genetics Tuebingen Variant Classification Criteria Version 2. Collection method: clinical testing. Allele origin: germline. Affected: yes. Observed: 1 variant allele.
Comment: KCNMA1: PM2

Labcorp Genetics (formerly Invitae), Labcorp
Classification: Uncertain significance for Generalized epilepsy-paroxysmal dyskinesia syndrome. Last evaluated: 2024-01-29. Review status: criteria provided, single submitter. Criteria: Invitae Variant Classification Sherloc (09022015). Collection method: clinical testing. Allele origin: germline.
Comment: This sequence change replaces aspartic acid, which is acidic and polar, with asparagine, which is neutral and polar, at codon 686 of the KCNMA1 protein (p.Asp686Asn). This variant is not present in population databases (gnomAD no frequency). This variant has not been reported in the literature in individuals affected with KCNMA1-related conditions. Advanced modeling of protein sequence and biophysical properties (such as structural, functional, and spatial information, amino acid conservation, physicochemical variation, residue mobility, and thermodynamic stability) performed at Invitae indicates that this missense variant is not expected to disrupt KCNMA1 protein function with a negative predictive value of 80%. In summary, the available evidence is currently insufficient to determine the role of this variant in disease. Therefore, it has been classified as a Variant of Uncertain Significance.